The following is an entry in ClinVar:

NM_013266.4(CTNNA3):c.907C>T (p.Arg303Cys)

Gene: CTNNA3 (catenin alpha 3; minus strand). Cytogenetic location: 10q21.3.
Variant type: single nucleotide variant.
Coding change: c.907C>T on transcript NM_013266.4 (MANE Select); coding-DNA position 907, C replaced by T.
Protein change: p.Arg303Cys; replaces arginine 303 with cysteine.
Molecular consequence: missense variant.
Genome position (GRCh38, 1-based): chr10:67,180,457, G>A on the plus strand (C>T on the coding strand, the complement: CTNNA3 is on the minus strand). VCF-style: chr10-67180457-G-A. GRCh37 (hg19) VCF-style: chr10-68940215-G-A.
Other names: c.907C>T, p.Arg303Cys (NM_001127384.3); c.943C>T, p.Arg315Cys (NM_001291133.2); c.907C>T (NM_013266.2); short protein forms R315C, R303C.
Identifiers: ClinVar variation 852189 (VCV000852189.12), dbSNP rs747726450, ClinGen allele CA5520454.
Genomic context (GRCh38, chr10:67,180,457, plus strand): 5'-AGTCCCTCGTACATGAAGAATCCGCCAGCAGAGCAGCCCCACTGATAATGGCTTCAAGGC[G>A]TTTCTCTAGTGATGGTCGTATTTCCTCCTCAGTTACTGTGAGTGGATTCAGGACAATTAA-3'
Protein context (NP_037398.2, residues 293-313): EEEIRPSLEK[Arg303Cys]LEAIISGAAL

ClinVar aggregate classification (germline): Uncertain significance. Review status: criteria provided, multiple submitters, no conflicts (2 of 4 stars). 2 submissions from 2 submitters: Uncertain significance (2). Last evaluated 2025-12-03.

Conditions:
Arrhythmogenic right ventricular dysplasia 13. Also called: ARRHYTHMOGENIC RIGHT VENTRICULAR CARDIOMYOPATHY 13; Arrhythmogenic right ventricular dysplasia, familial, 13. Identifiers: MedGen C3810138, MONDO:0000908, OMIM 615616.

Allele frequency attached by ClinVar (database versions not stated): gnomAD exomes 0.00001 and 0.00002; ExAC 0.00002; TOPMed 0.00002; gnomAD 0.00003.
gnomAD v4.1: 22 of 1,613,728 alleles (0.0014%); highest among the groups gnomAD compares: East Asian, 0.013%; no homozygotes.

Submissions (2):

Labcorp Genetics (formerly Invitae), Labcorp
Classification: Uncertain significance for Arrhythmogenic right ventricular dysplasia 13. Last evaluated: 2025-12-03. Review status: criteria provided, single submitter. Criteria: Invitae Variant Classification Sherloc (09022015). Collection method: clinical testing. Allele origin: germline.
Comment: This sequence change replaces arginine, which is basic and polar, with cysteine, which is neutral and slightly polar, at codon 303 of the CTNNA3 protein (p.Arg303Cys). This variant is present in population databases (rs747726450, gnomAD 0.01%). This variant has not been reported in the literature in individuals affected with CTNNA3-related conditions. ClinVar contains an entry for this variant (Variation ID: 852189). Invitae Evidence Modeling of protein sequence and biophysical properties (such as structural, functional, and spatial information, amino acid conservation, physicochemical variation, residue mobility, and thermodynamic stability) indicates that this missense variant is not expected to disrupt CTNNA3 protein function with a negative predictive value of 80%. In summary, the available evidence is currently insufficient to determine the role of this variant in disease. Therefore, it has been classified as a Variant of Uncertain Significance.

Ambry Genetics
Classification: Uncertain significance. Last evaluated: 2025-08-06. Review status: criteria provided, single submitter. Criteria: Ambry Variant Classification Scheme 2023. Collection method: clinical testing. Allele origin: germline.
Comment: The p.R303C variant (also known as c.907C>T), located in coding exon 6 of the CTNNA3 gene, results from a C to T substitution at nucleotide position 907. The arginine at codon 303 is replaced by cysteine, an amino acid with highly dissimilar properties. This amino acid position is conserved. In addition, the in silico prediction for this alteration is inconclusive. Since supporting evidence is limited at this time, the clinical significance of this alteration remains unclear.